The following is an entry in ClinVar:

NM_001042492.3(NF1):c.1179del (p.Phe394fs)

Gene: NF1 (neurofibromin 1; plus strand). Cytogenetic location: 17q11.2.
Variant type: Deletion.
Coding change: c.1179del on transcript NM_001042492.3 (MANE Select); coding-DNA position 1179, one base deleted (C; older notation c.1179delC).
Protein change: p.Phe394fs; shifts the reading frame from phenylalanine 394.
Molecular consequence: frameshift variant.
Genome position (GRCh38, 1-based): chr17:31,201,153, C deleted. VCF-style (leftmost placement, unchanged base first): chr17-31201152-AC-A. GRCh37 (hg19) VCF-style: chr17-29528170-AC-A.
Other names: c.1179delC (NM_000267.3); c.1179delC, p.Phe394Leufs (NM_000267.4); c.1179del, p.Phe394fs (NM_001128147.3); short protein forms F394fs.
Identifiers: ClinVar variation 1076566 (VCV001076566.3), dbSNP rs2143880536, ClinGen allele CA2499224024.
Genomic context (GRCh38, chr17:31,201,152, plus strand): 5'-TGGATCTAATGATTGACTGCCTTGTTTCTTGCTTTCGTATAAGCCCTCACAACAACCAAC[AC>A]TTTAAGGTGAGAGCATTGGTTTTTATCTAACTATATTTACTGATGCTGTTATCCTTTATA-3'

ClinVar aggregate classification (germline): Pathogenic. Review status: criteria provided, multiple submitters, no conflicts (2 of 4 stars). 2 submissions from 2 submitters: Pathogenic (2). Last evaluated 2020-06-02.

Conditions:
Hereditary cancer-predisposing syndrome. Also called: Neoplastic Syndromes, Hereditary; Hereditary neoplastic syndrome; Tumor predisposition; Hereditary Cancer Syndrome. Identifiers: Orphanet 140162, MedGen C0027672, MeSH D009386, MONDO:0015356.
Cardiovascular phenotype. Identifiers: MedGen CN230736.
Neurofibromatosis, type 1 (NF1). Also called: VON RECKLINGHAUSEN DISEASE; Peripheral type neurofibromatosis; NEUROFIBROMATOSIS, TYPE I, SOMATIC; Neurofibromatosis, type I. Identifiers: Orphanet 636, MedGen C0027831, MONDO:0018975, OMIM 162200. Disease mechanism: loss of function.

Submissions (2):

Labcorp Genetics (formerly Invitae), Labcorp
Classification: Pathogenic for Neurofibromatosis, type 1. Last evaluated: 2020-06-02. Review status: criteria provided, single submitter. Criteria: Invitae Variant Classification Sherloc (09022015). Collection method: clinical testing. Allele origin: germline.
Comment: This sequence change creates a premature translational stop signal (p.Phe394Leufs*18) in the NF1 gene. It is expected to result in an absent or disrupted protein product. This variant is not present in population databases (ExAC no frequency). This variant has not been reported in the literature in individuals with NF1-related conditions. Loss-of-function variants in NF1 are known to be pathogenic (PMID: 10712197, 23913538). For these reasons, this variant has been classified as Pathogenic.

Ambry Genetics
Classification: Pathogenic for Cardiovascular phenotype; Hereditary cancer-predisposing syndrome. Last evaluated: 2017-05-27. Review status: criteria provided, single submitter. Criteria: Ambry Variant Classification Scheme 2023. Collection method: clinical testing. Allele origin: germline.
Comment: The c.1179delC pathogenic mutation, located in coding exon 10 of the NF1 gene, results from a deletion of one nucleotide at nucleotide position 1179, causing a translational frameshift with a predicted alternate stop codon (p.F394Lfs*18). This alteration is expected to result in loss of function by premature protein truncation or nonsense-mediated mRNA decay. As such, this alteration is interpreted as a disease-causing mutation.

Literature cited by the submitters: PubMed 10712197 (cited by Labcorp Genetics (formerly Invitae), Labcorp); PubMed 23913538 (cited by Labcorp Genetics (formerly Invitae), Labcorp).